The following is an entry in ClinVar:

NM_001267550.2(TTN):c.4222C>T (p.Arg1408Cys)

Genes: TTN (titin; minus strand), LOC101927055 (uncharacterized LOC101927055; plus strand). Cytogenetic location: 2q31.2.
Variant type: single nucleotide variant.
Coding change: c.4222C>T on transcript NM_001267550.2 (MANE Select); coding-DNA position 4222, C replaced by T.
Protein change: p.Arg1408Cys; replaces arginine 1408 with cysteine.
Molecular consequence: missense variant. On other transcripts: non-coding transcript variant (1).
Genome position (GRCh38, 1-based): chr2:178,777,962, G>A on the plus strand (C>T on the coding strand, the complement: TTN is on the minus strand). VCF-style: chr2-178777962-G-A. GRCh37 (hg19) VCF-style: chr2-179642689-G-A.
Other names: c.4222C>T, p.Arg1408Cys (NM_001256850.1, NM_133378.4, NM_133379.5); c.4084C>T, p.Arg1362Cys (NM_003319.4, NM_133432.3, NM_133437.4); short protein forms R1362C, R1408C.
Identifiers: ClinVar variation 2506097 (VCV002506097.2), dbSNP rs757889400, ClinGen allele CA2005360.
Genomic context (GRCh38, chr2:178,777,962, plus strand): 5'-ACATCCTTGCAGGTGACATCCGTGCAGGAGACATGCGTATAGGAGACCTGCTCACTGAAC[G>A]TGGAGAGAGAGATCTGCAAAACAAAGACACACAATACTTTCGTGAGGCATAAAGAAAACT-3'
Protein context (NP_001254479.2, residues 1398-1418): PVSRIRSLSP[Arg1408Cys]SVSRSPIRMS

ClinVar aggregate classification (germline): Uncertain significance. Review status: criteria provided, multiple submitters, no conflicts (2 of 4 stars). 2 submissions from 2 submitters: Uncertain significance (2). Last evaluated 2026-01-22.

Conditions:
TTN-related disorder. Also called: TTN-related disorders; TTN-related condition; TTN-related disease.

Allele frequency attached by ClinVar (database versions not stated): TOPMed below 0.00001; gnomAD 0.00001.
gnomAD v4.1: 22 of 1,613,778 alleles (0.0014%); highest among the groups gnomAD compares: South Asian, 0.012%; 1 homozygote.

Submissions (2):

PreventionGenetics, part of Exact Sciences
Classification: Uncertain significance for TTN-related condition. Last evaluated: 2026-01-22. Review status: criteria provided, single submitter. Criteria: ACMG Guidelines, 2015. Collection method: clinical testing. Allele origin: germline.
Comment: The TTN c.4222C>T variant is predicted to result in the amino acid substitution p.Arg1408Cys. This variant has been reported in an individual with peripartum cardiomyopathy (van Spaendonck‑Zwarts et al. 2014. PubMed ID: 24558114). This variant is reported in 0.0065% of alleles in individuals of South Asian descent in gnomAD. At this time, the clinical significance of this variant is uncertain due to the absence of conclusive functional and genetic evidence.

Women's Health and Genetics/Laboratory Corporation of America, LabCorp
Classification: Uncertain significance. Last evaluated: 2023-05-23. Review status: criteria provided, single submitter. Criteria: LabCorp Variant Classification Summary - May 2015. Collection method: clinical testing. Allele origin: germline.
Comment: Variant summary: TTN c.4222C>T (p.Arg1408Cys) results in a non-conservative amino acid change located in the near Z-disk region of the encoded protein sequence. Four of five in-silico tools predict a damaging effect of the variant on protein function. The variant allele was found at a frequency of 1.6e-05 in 249398 control chromosomes (gnomAD). The available data on variant occurrences in the general population are insufficient to allow any conclusion about variant significance. c.4222C>T has been reported in the literature as a VUS in a setting of multigene panel testing in an individual affected with Peripartum Cardiomyopathy with a parent affected with Dilated Cardiomyopathy (van Spaendonck-Zwarts_2014). This report does not provide unequivocal conclusions about association of the variant with Dilated Cardiomyopathy. To our knowledge, no experimental evidence demonstrating an impact on protein function has been reported. The following publication has been ascertained in the context of this evaluation (PMID: 24558114). No clinical diagnostic laboratories have submitted clinical-significance assessments for this variant to ClinVar after 2014. Based on the evidence outlined above, the variant was classified as uncertain significance.

Literature cited by the submitters: PubMed 24558114 (cited by Women's Health and Genetics/Laboratory Corporation of America, LabCorp).